The following is an entry in ClinVar:

NM_002838.5(PTPRC):c.1390A>G (p.Ile464Val)

Gene: PTPRC (protein tyrosine phosphatase receptor type C; plus strand). Cytogenetic location: 1q32.1.
Variant type: single nucleotide variant.
Coding change: c.1390A>G on transcript NM_002838.5 (MANE Select); coding-DNA position 1390, A replaced by G.
Protein change: p.Ile464Val; replaces isoleucine 464 with valine.
Molecular consequence: missense variant.
Genome position (GRCh38, 1-based): chr1:198,716,780, A>G. VCF-style: chr1-198716780-A-G. GRCh37 (hg19) VCF-style: chr1-198685909-A-G.
Other names: c.907A>G, p.Ile303Val (NM_080921.4); short protein forms I464V, I303V.
Identifiers: ClinVar variation 3311509 (VCV003311509.3).
Genomic context (GRCh38, chr1:198,716,780, plus strand): 5'-TATGATTTGCAAAATTTAAAACCTTATACGAAATATGTTTTATCATTACATGCCTACATC[A>G]TTGCAAAAGTGCAACGTAATGGAAGTGCTGCAATGTGTCATTTCACAACTAAAAGTGCTC-3'
Protein context (NP_002829.3, residues 454-474): KYVLSLHAYI[Ile464Val]AKVQRNGSAA

ClinVar aggregate classification (germline): Uncertain significance. Review status: criteria provided, multiple submitters, no conflicts (2 of 4 stars). 2 submissions from 2 submitters: Uncertain significance (2). Last evaluated 2024-11-13.

Conditions:
Immunodeficiency 104. Also called: Severe combined immunodeficiency, autosomal recessive, T cell-negative, B cell-positive, NK cell-positive; SCID, AUTOSOMAL RECESSIVE, T CELL-NEGATIVE, B CELL-POSITIVE, NK CELL-POSITIVE; Severe Combined Immune Deficiency, Autosomal Recessive, TCell -Negative, B Cell-Positive, NK Cell-Positive, IL7R-Related; IMMUNODEFICIENCY 104, SEVERE COMBINED. Identifiers: MedGen C5676890, MONDO:0012163, OMIM 608971.
Inborn genetic diseases. Identifiers: MedGen C0950123, MeSH D030342.

gnomAD v4.1: 2 of 1,613,578 alleles (0.00012%); highest among the groups gnomAD compares: Admixed American, 0.0033%; no homozygotes.

Submissions (2):

Labcorp Genetics (formerly Invitae), Labcorp
Classification: Uncertain significance for Immunodeficiency 104. Last evaluated: 2024-11-13. Review status: criteria provided, single submitter. Criteria: Invitae Variant Classification Sherloc (09022015). Collection method: clinical testing. Allele origin: germline.
Comment: This sequence change replaces isoleucine, which is neutral and non-polar, with valine, which is neutral and non-polar, at codon 464 of the PTPRC protein (p.Ile464Val). This variant is present in population databases (no rsID available, gnomAD 0.003%). This variant has not been reported in the literature in individuals affected with PTPRC-related conditions. An algorithm developed to predict the effect of missense changes on protein structure and function outputs the following: PolyPhen-2: "Benign". The valine amino acid residue is found in multiple mammalian species, which suggests that this missense change does not adversely affect protein function. In summary, the available evidence is currently insufficient to determine the role of this variant in disease. Therefore, it has been classified as a Variant of Uncertain Significance.

Ambry Genetics
Classification: Uncertain significance for Inborn genetic diseases. Last evaluated: 2024-06-03. Review status: criteria provided, single submitter. Criteria: Ambry Variant Classification Scheme 2023. Collection method: clinical testing. Allele origin: germline.